The following is an entry in ClinVar:

ClinVar aggregate classification (germline): Uncertain significance (1 of 4 stars; one submission).

Allele frequency attached by ClinVar (database versions not stated): TOPMed below 0.00001; ExAC 0.00001; gnomAD 0.00001; gnomAD exomes 0.00002.
gnomAD v4.1: 30 of 1,613,738 alleles (0.0019%); highest among the groups gnomAD compares: Non-Finnish European, 0.0025%; no homozygotes.

Submission:

Labcorp Genetics (formerly Invitae), Labcorp
Classification: Uncertain significance. Last evaluated: 2024-07-17. Review status: criteria provided, single submitter. Criteria: Invitae Variant Classification Sherloc (09022015). Collection method: clinical testing. Allele origin: germline.
Comment: This sequence change replaces threonine, which is neutral and polar, with asparagine, which is neutral and polar, at codon 463 of the ANGPT1 protein (p.Thr463Asn). This variant is present in population databases (rs753167653, gnomAD 0.002%). This variant has not been reported in the literature in individuals affected with ANGPT1-related conditions. An algorithm developed to predict the effect of missense changes on protein structure and function (PolyPhen-2) suggests that this variant is likely to be tolerated. In summary, the available evidence is currently insufficient to determine the role of this variant in disease. Therefore, it has been classified as a Variant of Uncertain Significance.

NM_001146.5(ANGPT1):c.1388C>A (p.Thr463Asn)

Gene: ANGPT1 (angiopoietin 1; minus strand). Cytogenetic location: 8q23.1.
Variant type: single nucleotide variant.
Coding change: c.1388C>A on transcript NM_001146.5 (MANE Select); coding-DNA position 1388, C replaced by A.
Protein change: p.Thr463Asn; replaces threonine 463 with asparagine.
Molecular consequence: missense variant.
Genome position (GRCh38, 1-based): chr8:107,251,964, G>T on the plus strand (C>A on the coding strand, the complement: ANGPT1 is on the minus strand). VCF-style: chr8-107251964-G-T. GRCh37 (hg19) VCF-style: chr8-108264192-G-T.
Other names: c.1385C>A, p.Thr462Asn (NM_001199859.3); c.788C>A, p.Thr263Asn (NM_001314051.2); short protein forms T462N, T263N, T463N.
Identifiers: ClinVar variation 2793919 (VCV002793919.3), dbSNP rs753167653, ClinGen allele CA4841126.
Genomic context (GRCh38, chr8:107,251,964, plus strand): 5'-CTGGGCCCTTTGAAGTAGTGCCACTTTATCCCATTCAGTTTTCCATGGTTTTGTCCCGCA[G>T]TATAGAACATTCCATTTAGATTGGAGGGGCCACAAGCATCAAACCACCATCCTGAAAAAA-3'
Protein context (NP_001137.2, residues 453-473): GPSNLNGMFY[Thr463Asn]AGQNHGKLNG